The following is an entry in ClinVar:

ClinVar aggregate classification (germline): Likely pathogenic (1 of 4 stars; one submission).

Conditions:
GRACILE syndrome (FLNMS). Also called: FELLMAN SYNDROME; FINNISH LETHAL NEONATAL METABOLIC SYNDROME. Identifiers: Orphanet 53693, MedGen C1864002, MONDO:0011308, OMIM 603358.

Submission:

Natera, Inc.
Classification: Likely pathogenic for GRACILE syndrome. Last evaluated: 2024-11-13. Review status: criteria provided, single submitter. Criteria: Natera Variant Classification Schema (03/2026). Collection method: clinical testing. Allele origin: germline.
Comment: The c.652dup variant in BCS1L is a frameshift variant predicted to shift the reading frame beginning at codon 218 and leads to a stop codon 46 codons downstream. This variant is expected to result in nonsense mediated decay, truncation, or a dysfunctional protein product. This variant is rare in the general population with a frequency below the threshold expected for the associated phenotype(s). Given the available evidence, this variant is classified as Likely Pathogenic.

NM_001079866.2(BCS1L):c.652dup (p.Arg218fs)

Gene: BCS1L (BCS1 ubiquinol-cytochrome c reductase complex chaperone; plus strand). Cytogenetic location: 2q35.
Variant type: Duplication.
Coding change: c.652dup on transcript NM_001079866.2 (MANE Select); coding-DNA position 652, one base duplicated (A; older notation c.652dupA).
Protein change: p.Arg218fs; shifts the reading frame from arginine 218.
Molecular consequence: frameshift variant. On other transcripts: non-coding transcript variant (1).
Genome position (GRCh38, 1-based): chr2:218,661,950, A duplicated. VCF-style (leftmost placement, unchanged base first): chr2-218661949-C-CA. GRCh37 (hg19) VCF-style: chr2-219526672-C-CA.
Other names: c.652dup, p.Arg218fs (NM_001257342.2, NM_001257343.2, NM_001257344.2 and 10 more transcripts); c.292dup, p.Arg98fs (NM_001318836.2, NM_001371451.1); c.151dup, p.Arg51fs (NM_001371452.1, NM_001371453.1, NM_001371454.1 and 3 more transcripts); short protein forms R218fs, R51fs, R98fs.
Identifiers: ClinVar variation 4815343 (VCV004815343.1).